The following is an entry in ClinVar:

ClinVar aggregate classification (germline): Uncertain significance (1 of 4 stars; one submission).

Conditions:
Inborn genetic diseases. Identifiers: MedGen C0950123, MeSH D030342.

Submission:

Ambry Genetics
Classification: Uncertain significance for Inborn genetic diseases. Last evaluated: 2026-04-11. Review status: criteria provided, single submitter. Criteria: Ambry Variant Classification Scheme 2023. Collection method: clinical testing. Allele origin: germline.
Comment: The c.587G>A (p.R196H) alteration is located in exon 1 (coding exon 1) of the CDK13 gene. This alteration results from a G to A substitution at nucleotide position 587, causing the arginine (R) at amino acid position 196 to be replaced by a histidine (H). Based on data from gnomAD, the A allele has an overall frequency of <0.001% (0/354) total alleles studied. The highest observed frequency was <0.001% (/) of alleles. Based on insufficient or conflicting evidence, the clinical significance of this alteration remains unclear.

NM_003718.5(CDK13):c.587G>A (p.Arg196His)

Genes: CDK13 (cyclin dependent kinase 13; plus strand), LOC129998293 (ATAC-STARR-seq lymphoblastoid silent region 18116; plus strand). Cytogenetic location: 7p14.1.
Variant type: single nucleotide variant.
Coding change: c.587G>A on transcript NM_003718.5 (MANE Select); coding-DNA position 587, G replaced by A.
Protein change: p.Arg196His; replaces arginine 196 with histidine.
Molecular consequence: missense variant.
Genome position (GRCh38, 1-based): chr7:39,951,228, G>A. VCF-style: chr7-39951228-G-A. GRCh37 (hg19) VCF-style: chr7-39990827-G-A.
Other names: c.587G>A, p.Arg196His (NM_031267.4); short protein forms R196H.
Identifiers: ClinVar variation 4868593 (VCV004868593.1).